The following is an entry in ClinVar:

ClinVar aggregate classification (germline): Uncertain significance (1 of 4 stars; one submission).

Allele frequency attached by ClinVar (database versions not stated): gnomAD exomes below 0.00001; ExAC 0.00001; TOPMed 0.00001.

Submission:

Labcorp Genetics (formerly Invitae), Labcorp
Classification: Uncertain significance. Last evaluated: 2021-09-17. Review status: criteria provided, single submitter. Criteria: Invitae Variant Classification Sherloc (09022015). Collection method: clinical testing. Allele origin: germline.
Comment: In summary, the available evidence is currently insufficient to determine the role of this variant in disease. Therefore, it has been classified as a Variant of Uncertain Significance. Algorithms developed to predict the effect of missense changes on protein structure and function output the following: SIFT: "Deleterious"; PolyPhen-2: "Benign"; Align-GVGD: "Class C0". The threonine amino acid residue is found in multiple mammalian species, which suggests that this missense change does not adversely affect protein function. This variant has not been reported in the literature in individuals affected with TRIOBP-related conditions. The frequency data for this variant in the population databases is considered unreliable, as metrics indicate poor data quality at this position in the ExAC database. This sequence change replaces alanine with threonine at codon 423 of the TRIOBP protein (p.Ala423Thr). The alanine residue is weakly conserved and there is a small physicochemical difference between alanine and threonine.

NM_001039141.3(TRIOBP):c.1267G>A (p.Ala423Thr)

Gene: TRIOBP (TRIO and F-actin binding protein; plus strand). Cytogenetic location: 22q13.1.
Variant type: single nucleotide variant.
Coding change: c.1267G>A on transcript NM_001039141.3 (MANE Select); coding-DNA position 1267, G replaced by A.
Protein change: p.Ala423Thr; replaces alanine 423 with threonine.
Molecular consequence: missense variant.
Genome position (GRCh38, 1-based): chr22:37,723,823, G>A. VCF-style: chr22-37723823-G-A. GRCh37 (hg19) VCF-style: chr22-38119830-G-A.
Other names: short protein forms A423T.
Identifiers: ClinVar variation 1377500 (VCV001377500.6), dbSNP rs776347710, ClinGen allele CA10223563.